The following is an entry in ClinVar:

NM_000305.3(PON2):c.75-20dup

Genes: ASB4 (ankyrin repeat and SOCS box containing 4; plus strand), PON2 (paraoxonase 2; minus strand), LOC107986822 (uncharacterized LOC107986822; plus strand). Cytogenetic location: 7q21.3.
Variant type: Duplication.
Coding change: c.75-20dup on transcript NM_000305.3 (MANE Select); 20 bases into the intron before coding-DNA position 75, one base duplicated (T; older notation c.75-20dupT).
Molecular consequence: intron variant.
Genome position (GRCh38, 1-based): chr7:95,424,597, A duplicated on the plus strand (T on the coding strand, the reverse complement: PON2 is on the minus strand); the first of 9 consecutive A bases (chr7:95,424,597-95,424,605); duplicating any one gives the same sequence. VCF-style (leftmost placement, unchanged base first): chr7-95424596-G-GA. GRCh37 (hg19) VCF-style: chr7-95053908-G-GA.
Other names: c.75-20dup (NM_001018161.2).
Identifiers: ClinVar variation 977712 (VCV000977712.1), dbSNP rs754815103, ClinGen allele CA4351175.

ClinVar aggregate classification (germline): Likely benign (1 of 4 stars; one submission).

Submission:

Women's Health and Genetics/Laboratory Corporation of America, LabCorp
Classification: Likely benign. Last evaluated: 2020-08-31. Review status: criteria provided, single submitter. Criteria: LabCorp Variant Classification Summary - May 2015. Collection method: clinical testing. Allele origin: germline.
Comment: Variant summary: PON2 c.75-12dupT alters a non-conserved nucleotide located close to a canonical splice site and therefore could affect mRNA splicing, leading to a significantly altered protein sequence. 4/4 computational tools predict no significant impact on normal splicing. However, these predictions have yet to be confirmed by functional studies. The variant allele was found at a frequency of 0.00066 in 221122 control chromosomes, predominantly at a frequency of 0.0006 within the Non-Finnish European subpopulation in the gnomAD database. The observed variant frequency within Non-Finnish European control individuals in the gnomAD database is approximately 30 fold of the estimated maximal expected allele frequency for a pathogenic variant in PON2 causing Early Onset Coronary Artery Disease phenotype (2e-05), strongly suggesting that the variant is a benign polymorphism found primarily in populations of Non-Finnish European origin. To our knowledge, no occurrence of c.75-12dupT in individuals affected with Early Onset Coronary Artery Disease and no experimental evidence demonstrating its impact on protein function have been reported. No clinical diagnostic laboratories have submitted clinical-significance assessments for this variant to ClinVar after 2014. Based on the evidence outlined above, the variant was classified as likely benign.